The following is an entry in ClinVar:

ClinVar aggregate classification (germline): Uncertain significance (1 of 4 stars; one submission).

Conditions:
Neurodevelopmental disorder with or without hyperkinetic movements and seizures, autosomal dominant. Also called: Intellectual disability, autosomal dominant 8. Identifiers: MedGen C3280282, MONDO:0013655, OMIM 614254.

Submission:

Labcorp Genetics (formerly Invitae), Labcorp
Classification: Uncertain significance for Neurodevelopmental disorder with or without hyperkinetic movements and seizures, autosomal dominant. Last evaluated: 2022-11-22. Review status: criteria provided, single submitter. Criteria: Invitae Variant Classification Sherloc (09022015). Collection method: clinical testing. Allele origin: germline.
Comment: In summary, the available evidence is currently insufficient to determine the role of this variant in disease. Therefore, it has been classified as a Variant of Uncertain Significance. Advanced modeling of protein sequence and biophysical properties (such as structural, functional, and spatial information, amino acid conservation, physicochemical variation, residue mobility, and thermodynamic stability) has been performed at Invitae for this missense variant, however the output from this modeling did not meet the statistical confidence thresholds required to predict the impact of this variant on GRIN1 protein function. ClinVar contains an entry for this variant (Variation ID: 1349853). This variant has not been reported in the literature in individuals affected with GRIN1-related conditions. This variant is not present in population databases (gnomAD no frequency). This sequence change replaces asparagine, which is neutral and polar, with aspartic acid, which is acidic and polar, at codon 771 of the GRIN1 protein (p.Asn771Asp).

NM_007327.4(GRIN1):c.2311A>G (p.Asn771Asp)

Gene: GRIN1 (glutamate ionotropic receptor NMDA type subunit 1; plus strand). Cytogenetic location: 9q34.3.
Variant type: single nucleotide variant.
Coding change: c.2311A>G on transcript NM_007327.4 (MANE Select); coding-DNA position 2311, A replaced by G.
Protein change: p.Asn771Asp; replaces asparagine 771 with aspartic acid.
Molecular consequence: missense variant.
Genome position (GRCh38, 1-based): chr9:137,163,308, A>G. VCF-style: chr9-137163308-A-G. GRCh37 (hg19) VCF-style: chr9-140057760-A-G.
Other names: c.2311A>G, p.Asn771Asp (NM_000832.7, NM_021569.4); c.2374A>G, p.Asn792Asp (NM_001185090.2, NM_001185091.2); short protein forms N771D, N792D.
Identifiers: ClinVar variation 1349853 (VCV001349853.6), dbSNP rs2131301453, ClinGen allele CA375724589.